The following is an entry in ClinVar:

NM_000052.7(ATP7A):c.2491C>G (p.Leu831Val)

Gene: ATP7A (ATPase copper transporting alpha; plus strand). Cytogenetic location: Xq21.1.
Variant type: single nucleotide variant.
Coding change: c.2491C>G on transcript NM_000052.7 (MANE Select); coding-DNA position 2491, C replaced by G.
Protein change: p.Leu831Val; replaces leucine 831 with valine.
Molecular consequence: missense variant.
Genome position (GRCh38, 1-based): chrX:78,014,746, C>G. VCF-style: chrX-78014746-C-G. GRCh37 (hg19) VCF-style: chrX-77270243-C-G.
Other names: c.2257C>G, p.Leu753Val (NM_001282224.2); short protein forms L753V, L831V.
Identifiers: ClinVar variation 4975611 (VCV004975611.1).

ClinVar aggregate classification (germline): Uncertain significance (1 of 4 stars; one submission).

Submission:

GeneDx
Classification: Uncertain significance. Last evaluated: 2026-01-24. Review status: criteria provided, single submitter. Criteria: GeneDx Variant Classification Process June 2021. Collection method: clinical testing. Allele origin: germline.
Comment: Not observed at significant frequency in large population cohorts (gnomAD); In silico analysis suggests that this missense variant does not alter protein structure/function; Has not been previously published as pathogenic or benign to our knowledge